The following is an entry in ClinVar:

NM_032776.3(JMJD1C):c.5527C>T (p.Arg1843Trp)

Gene: JMJD1C (jumonji domain containing 1C; minus strand). Cytogenetic location: 10q21.3.
Variant type: single nucleotide variant.
Coding change: c.5527C>T on transcript NM_032776.3 (MANE Select); coding-DNA position 5527, C replaced by T.
Protein change: p.Arg1843Trp; replaces arginine 1843 with tryptophan.
Molecular consequence: missense variant. On other transcripts: non-coding transcript variant (1).
Genome position (GRCh38, 1-based): chr10:63,197,528, G>A on the plus strand (C>T on the coding strand, the complement: JMJD1C is on the minus strand). VCF-style: chr10-63197528-G-A. GRCh37 (hg19) VCF-style: chr10-64957288-G-A.
Other names: c.4981C>T, p.Arg1661Trp (NM_001318154.2, NM_001282948.2); c.5413C>T, p.Arg1805Trp (NM_001322252.2); c.4870C>T, p.Arg1624Trp (NM_001322254.2, NM_001322258.2); c.4663C>T, p.Arg1555Trp (NM_001318153.2); short protein forms R1661W, R1805W, R1843W, R1555W, R1624W.
Identifiers: ClinVar variation 3697489 (VCV003697489.2).

ClinVar aggregate classification (germline): Uncertain significance (1 of 4 stars; one submission).

Conditions:
Early Myoclonic Encephalopathy. Identifiers: MedGen C0270855.

gnomAD v4.1: 8 of 1,594,828 alleles (0.0005%); highest among the groups gnomAD compares: East Asian, 0.0023%; no homozygotes.

Submission:

Labcorp Genetics (formerly Invitae), Labcorp
Classification: Uncertain significance for Early Myoclonic Encephalopathy. Last evaluated: 2024-09-12. Review status: criteria provided, single submitter. Criteria: Invitae Variant Classification Sherloc (09022015). Collection method: clinical testing. Allele origin: germline.
Comment: This sequence change replaces arginine, which is basic and polar, with tryptophan, which is neutral and slightly polar, at codon 1843 of the JMJD1C protein (p.Arg1843Trp). This variant is present in population databases (rs751030734, gnomAD no frequency). This variant has not been reported in the literature in individuals affected with JMJD1C-related conditions. Invitae Evidence Modeling of protein sequence and biophysical properties (such as structural, functional, and spatial information, amino acid conservation, physicochemical variation, residue mobility, and thermodynamic stability) indicates that this missense variant is expected to disrupt JMJD1C protein function with a positive predictive value of 80%. In summary, the available evidence is currently insufficient to determine the role of this variant in disease. Therefore, it has been classified as a Variant of Uncertain Significance.